The following is an entry in ClinVar:

ClinVar aggregate classification (germline): Uncertain significance (1 of 4 stars; one submission).

Conditions:
Glycogen storage disease, type VII (GSD7). Also called: TARUI DISEASE; MUSCLE PHOSPHOFRUCTOKINASE DEFICIENCY; PFKM DEFICIENCY; GSD VII. Identifiers: Orphanet 371, MedGen C0017926, MONDO:0009295, OMIM 232800.

Submission:

Labcorp Genetics (formerly Invitae), Labcorp
Classification: Uncertain significance for Glycogen storage disease, type VII. Last evaluated: 2022-05-31. Review status: criteria provided, single submitter. Criteria: Invitae Variant Classification Sherloc (09022015). Collection method: clinical testing. Allele origin: germline.
Comment: In summary, the available evidence is currently insufficient to determine the role of this variant in disease. Therefore, it has been classified as a Variant of Uncertain Significance. Algorithms developed to predict the effect of missense changes on protein structure and function are either unavailable or do not agree on the potential impact of this missense change (SIFT: "Deleterious"; PolyPhen-2: "Benign"; Align-GVGD: "Class C0"). This variant has not been reported in the literature in individuals affected with PFKM-related conditions. This variant is not present in population databases (gnomAD no frequency). This sequence change replaces threonine, which is neutral and polar, with asparagine, which is neutral and polar, at codon 355 of the PFKM protein (p.Thr355Asn).

NM_000289.6(PFKM):c.1064C>A (p.Thr355Asn)

Gene: PFKM (phosphofructokinase, muscle; plus strand). Cytogenetic location: 12q13.11.
Variant type: single nucleotide variant.
Coding change: c.1064C>A on transcript NM_000289.6 (MANE Select); coding-DNA position 1064, C replaced by A.
Protein change: p.Thr355Asn; replaces threonine 355 with asparagine.
Molecular consequence: missense variant. On other transcripts: non-coding transcript variant (6).
Genome position (GRCh38, 1-based): chr12:48,139,286, C>A. VCF-style: chr12-48139286-C-A. GRCh37 (hg19) VCF-style: chr12-48533069-C-A.
Other names: c.1277C>A, p.Thr426Asn (NM_001166686.2, NM_001354737.1, NM_001354738.1 and 1 more transcripts); c.1064C>A, p.Thr355Asn (NM_001166687.2, NM_001166688.2, NM_001354742.2 and 2 more transcripts); c.1373C>A, p.Thr458Asn (NM_001354735.1, NM_001354736.1); c.1208C>A, p.Thr403Asn (NM_001354740.1); c.1088C>A, p.Thr363Asn (NM_001354741.2); c.977C>A, p.Thr326Asn (NM_001354745.2); c.938C>A, p.Thr313Asn (NM_001354746.2); c.914C>A, p.Thr305Asn (NM_001354747.2, NM_001354748.2); and 1 more; short protein forms T403N, T426N, T305N, T355N, T363N, T313N, T324N, T458N.
Identifiers: ClinVar variation 2166099 (VCV002166099.4), dbSNP rs2498493206, ClinGen allele CA384547959.